The following is an entry in ClinVar:

ClinVar aggregate classification (germline): Uncertain significance (1 of 4 stars; one submission).

Conditions:
Pontocerebellar hypoplasia type 2B (PCH2B). Identifiers: Orphanet 2524, MedGen C2676466, MONDO:0012890, OMIM 612389.

Submission:

3billion
Classification: Uncertain significance for Pontocerebellar hypoplasia type 2B. Last evaluated: 2026-01-28. Review status: criteria provided, single submitter. Criteria: ACMG Guidelines, 2015. Collection method: clinical testing. Allele origin: germline. Affected: yes.
Comment: The variant is not observed in the gnomAD v4.1.0 dataset. Predicted Consequence/Location: Synonymous variant In silico tools predict the variant to alter splicing and produce an abnormal transcript [SpliceAI: 0.35 (>=0.2, moderate evidence for spliceogenicity)]. The variant has been reported as of uncertain significance (PMID: 38438125). Therefore, this variant is classified as VUS according to the recommendation of ACMG/AMP guideline.

NM_025265.4(TSEN2):c.1354C>A (p.Arg452=)

Gene: TSEN2 (tRNA splicing endonuclease subunit 2; plus strand). Cytogenetic location: 3p25.2.
Variant type: single nucleotide variant.
Coding change: c.1354C>A on transcript NM_025265.4 (MANE Select); coding-DNA position 1354, C replaced by A.
Protein change: p.Arg452=; no amino-acid change (arginine 452 retained).
Molecular consequence: synonymous variant. On other transcripts: non-coding transcript variant (1), intron variant (1).
Genome position (GRCh38, 1-based): chr3:12,532,677, C>A. VCF-style: chr3-12532677-C-A. GRCh37 (hg19) VCF-style: chr3-12574176-C-A.
Other names: c.1354C>A, p.Arg452= (NM_001145392.2, NM_001321277.2); c.1276C>A, p.Arg426= (NM_001145393.3, NM_001321279.2); c.1177C>A, p.Arg393= (NM_001145394.2); c.1338+1018C>A (NM_001321278.2).
Identifiers: ClinVar variation 4854249 (VCV004854249.1).